The following is an entry in ClinVar:

NM_001277115.2(DNAH11):c.4249A>T (p.Ile1417Phe)

Gene: DNAH11 (dynein axonemal heavy chain 11; plus strand). Cytogenetic location: 7p15.3.
Variant type: single nucleotide variant.
Coding change: c.4249A>T on transcript NM_001277115.2 (MANE Select); coding-DNA position 4249, A replaced by T.
Protein change: p.Ile1417Phe; replaces isoleucine 1417 with phenylalanine.
Molecular consequence: missense variant.
Genome position (GRCh38, 1-based): chr7:21,617,772, A>T. VCF-style: chr7-21617772-A-T. GRCh37 (hg19) VCF-style: chr7-21657390-A-T.
Other names: c.4249A>T (NM_001277115.1); short protein forms I1417F.
Identifiers: ClinVar variation 1062087 (VCV001062087.6), dbSNP rs1785849179, ClinGen allele CA366952461.

ClinVar aggregate classification (germline): Uncertain significance. Review status: criteria provided, multiple submitters, no conflicts (2 of 4 stars). 2 submissions from 2 submitters: Uncertain significance (2). Last evaluated 2024-12-16.

Conditions:
Primary ciliary dyskinesia. Also called: Ciliary dyskinesia. Identifiers: Orphanet 244, MedGen C0008780, MONDO:0016575, HP:0012265.

Allele frequency attached by ClinVar (database versions not stated): gnomAD 0.00001; TOPMed 0.00005.
gnomAD v4.1: 4 of 1,597,106 alleles (0.00025%); highest among the groups gnomAD compares: Admixed American, 0.0036%; no homozygotes.

Submissions (2):

Labcorp Genetics (formerly Invitae), Labcorp
Classification: Uncertain significance for Primary ciliary dyskinesia. Last evaluated: 2024-12-16. Review status: criteria provided, single submitter. Criteria: Invitae Variant Classification Sherloc (09022015). Collection method: clinical testing. Allele origin: germline.
Comment: This sequence change replaces isoleucine, which is neutral and non-polar, with phenylalanine, which is neutral and non-polar, at codon 1417 of the DNAH11 protein (p.Ile1417Phe). This variant is not present in population databases (gnomAD no frequency). This variant has not been reported in the literature in individuals affected with DNAH11-related conditions. ClinVar contains an entry for this variant (Variation ID: 1062087). Invitae Evidence Modeling of protein sequence and biophysical properties (such as structural, functional, and spatial information, amino acid conservation, physicochemical variation, residue mobility, and thermodynamic stability) indicates that this missense variant is not expected to disrupt DNAH11 protein function with a negative predictive value of 95%. In summary, the available evidence is currently insufficient to determine the role of this variant in disease. Therefore, it has been classified as a Variant of Uncertain Significance.

Ambry Genetics
Classification: Uncertain significance for Primary ciliary dyskinesia. Last evaluated: 2023-12-16. Review status: criteria provided, single submitter. Criteria: Ambry Variant Classification Scheme 2023. Collection method: clinical testing. Allele origin: germline.